The following is an entry in ClinVar:

NM_194248.3(OTOF):c.3379C>T (p.Arg1127Trp)

Gene: OTOF (otoferlin; minus strand). Cytogenetic location: 2p23.3.
Variant type: single nucleotide variant.
Coding change: c.3379C>T on transcript NM_194248.3 (MANE Select); coding-DNA position 3379, C replaced by T.
Protein change: p.Arg1127Trp; replaces arginine 1127 with tryptophan.
Molecular consequence: missense variant.
Genome position (GRCh38, 1-based): chr2:26,474,020, G>A on the plus strand (C>T on the coding strand, the complement: OTOF is on the minus strand). VCF-style: chr2-26474020-G-A. GRCh37 (hg19) VCF-style: chr2-26696888-G-A.
Other names: c.3379C>T, p.Arg1127Trp (NM_001287489.2); c.1138C>T, p.Arg380Trp (NM_004802.4, NM_194323.3); c.1309C>T, p.Arg437Trp (NM_194322.3); short protein forms R1127W, R380W, R437W.
Identifiers: ClinVar variation 1309837 (VCV001309837.4), dbSNP rs918324092, ClinGen allele CA44397161.
Genomic context (GRCh38, chr2:26,474,020, plus strand): 5'-AAAAGGGAAGGGCCACACAGAGCCCTCGCACCTCCACTCGGTACTTGCTGAGCACGGGCC[G>A]GATGCCCATGGGCACGGGCATGATGGGACCTCGGTCCACGTCCACCGGGCCATTGATGGG-3'
Protein context (NP_919224.1, residues 1117-1137): GPIMPVPMGI[Arg1127Trp]PVLSKYRVEV

ClinVar aggregate classification (germline): Uncertain significance (1 of 4 stars; one submission).

Allele frequency attached by ClinVar (database versions not stated): gnomAD exomes below 0.00001 and 0.00001; TOPMed 0.00001; gnomAD 0.00002.

Submission:

GeneDx
Classification: Uncertain significance. Last evaluated: 2023-01-31. Review status: criteria provided, single submitter. Criteria: GeneDx Variant Classification Process June 2021. Collection method: clinical testing. Allele origin: germline. Affected: yes.
Comment: Not observed at a significant frequency in large population cohorts (gnomAD); In silico analysis, which includes protein predictors and evolutionary conservation, supports a deleterious effect; Has not been previously published as pathogenic or benign to our knowledge